The following is an entry in ClinVar:

NM_005883.3(APC2):c.3978G>A (p.Ala1326=)

Gene: APC2 (APC regulator of Wnt signaling pathway 2; plus strand). Cytogenetic location: 19p13.3.
Variant type: single nucleotide variant.
Coding change: c.3978G>A on transcript NM_005883.3 (MANE Select); coding-DNA position 3978, G replaced by A.
Protein change: p.Ala1326=; no amino-acid change (alanine 1326 retained).
Molecular consequence: synonymous variant.
Genome position (GRCh38, 1-based): chr19:1,467,279, G>A. VCF-style: chr19-1467279-G-A. GRCh37 (hg19) VCF-style: chr19-1467278-G-A.
Other names: c.3975G>A, p.Ala1325= (NM_001351273.1).
Identifiers: ClinVar variation 768948 (VCV000768948.12), dbSNP rs145970006, ClinGen allele CA9045781.

ClinVar aggregate classification (germline): Benign. Review status: criteria provided, multiple submitters, no conflicts (2 of 4 stars). 3 submissions from 3 submitters: Benign (2). 1 of the submissions does not count toward it. Last evaluated 2026-01-28.

Conditions:
APC2-related disorder. Also called: APC2-Related Disorders; APC2-related condition.

Allele frequency attached by ClinVar (database versions not stated): gnomAD exomes 0.00314 and 0.01425; gnomAD 0.03738 and 0.03476; 1000 Genomes Project 0.03934; TOPMed 0.03985; ExAC 0.00980; 1000 Genomes Project 30x 0.04138.
gnomAD v4.1: 9,080 of 1,312,312 alleles (0.69%); highest among the groups gnomAD compares: African/African-American, 13%; 579 homozygotes.

Submissions (3):

Labcorp Genetics (formerly Invitae), Labcorp
Classification: Benign. Last evaluated: 2026-01-28. Review status: criteria provided, single submitter. Criteria: Invitae Variant Classification Sherloc (09022015). Collection method: clinical testing. Allele origin: germline.

Breakthrough Genomics
Classification: Benign. Review status: criteria provided, single submitter. Criteria: ACMG Guidelines, 2015. Collection method: not provided. Allele origin: germline. Inheritance: Autosomal recessive inheritance. Affected: yes.

PreventionGenetics, part of Exact Sciences
Classification: Benign for APC2-related condition. Last evaluated: 2023-12-18. Review status: no assertion criteria provided. Collection method: clinical testing. Allele origin: germline. Not counted in ClinVar's aggregate classification.
Comment: This variant is classified as benign based on ACMG/AMP sequence variant interpretation guidelines (Richards et al. 2015 PMID: 25741868, with internal and published modifications).